The following is an entry in ClinVar:

NM_001291303.3(FAT4):c.4852A>G (p.Thr1618Ala)

Gene: FAT4 (FAT atypical cadherin 4; plus strand). Cytogenetic location: 4q28.1.
Variant type: single nucleotide variant.
Coding change: c.4852A>G on transcript NM_001291303.3 (MANE Select); coding-DNA position 4852, A replaced by G.
Protein change: p.Thr1618Ala; replaces threonine 1618 with alanine.
Molecular consequence: missense variant.
Genome position (GRCh38, 1-based): chr4:125,321,263, A>G. VCF-style: chr4-125321263-A-G. GRCh37 (hg19) VCF-style: chr4-126242418-A-G.
Other names: c.4852A>G, p.Thr1618Ala (NM_001291285.3, NM_024582.6); short protein forms T1618A.
Identifiers: ClinVar variation 2850882 (VCV002850882.3), dbSNP rs756635224, ClinGen allele CA358128508.

ClinVar aggregate classification (germline): Uncertain significance (1 of 4 stars; one submission).

Allele frequency attached by ClinVar (database versions not stated): gnomAD 0.00001.
gnomAD v4.1: 5 of 1,614,070 alleles (0.00031%); highest among the groups gnomAD compares: South Asian, 0.0011%; no homozygotes.

Submission:

Labcorp Genetics (formerly Invitae), Labcorp
Classification: Uncertain significance. Last evaluated: 2023-03-30. Review status: criteria provided, single submitter. Criteria: Invitae Variant Classification Sherloc (09022015). Collection method: clinical testing. Allele origin: germline.
Comment: In summary, the available evidence is currently insufficient to determine the role of this variant in disease. Therefore, it has been classified as a Variant of Uncertain Significance. This sequence change replaces threonine, which is neutral and polar, with alanine, which is neutral and non-polar, at codon 1618 of the FAT4 protein (p.Thr1618Ala). This variant is present in population databases (no rsID available, gnomAD 0.003%). This variant has not been reported in the literature in individuals affected with FAT4-related conditions. Advanced modeling of protein sequence and biophysical properties (such as structural, functional, and spatial information, amino acid conservation, physicochemical variation, residue mobility, and thermodynamic stability) performed at Invitae indicates that this missense variant is not expected to disrupt FAT4 protein function.